The following is an entry in ClinVar:

NM_000426.4(LAMA2):c.9262A>G (p.Ile3088Val)

Gene: LAMA2 (laminin subunit alpha 2; plus strand). Cytogenetic location: 6q22.33.
Variant type: single nucleotide variant.
Coding change: c.9262A>G on transcript NM_000426.4 (MANE Select); coding-DNA position 9262, A replaced by G.
Protein change: p.Ile3088Val; replaces isoleucine 3088 with valine.
Molecular consequence: missense variant.
Genome position (GRCh38, 1-based): chr6:129,516,240, A>G. VCF-style: chr6-129516240-A-G. GRCh37 (hg19) VCF-style: chr6-129837385-A-G.
Other names: p.Ile3088Val; c.9250A>G, p.Ile3084Val (NM_001079823.2); short protein forms I3088V, I3084V.
Identifiers: ClinVar variation 968551 (VCV000968551.31), dbSNP rs768834542, ClinGen allele CA3995088.

ClinVar aggregate classification (germline): Conflicting classifications of pathogenicity. Review status: criteria provided, conflicting classifications (1 of 4 stars). 5 submissions from 5 submitters: Uncertain significance (3); Likely benign (2). Last evaluated 2024-11-19.

Conditions:
Inborn genetic diseases. Identifiers: MedGen C0950123, MeSH D030342.
LAMA2-related muscular dystrophy (LAMA2-RD). Also called: Laminin alpha 2-related dystrophy. Identifiers: MedGen C5679788, MONDO:0100228.

Allele frequency attached by ClinVar (database versions not stated): gnomAD exomes 0.00002 and 0.00008; ExAC 0.00004; TOPMed 0.00006; gnomAD 0.00008 and 0.00010.
gnomAD v4.1: 128 of 1,613,990 alleles (0.0079%); highest among the groups gnomAD compares: Non-Finnish European, 0.01%; no homozygotes.

Submissions (5):

Mayo Clinic Laboratories, Mayo Clinic
Classification: Uncertain significance. Last evaluated: 2024-11-19. Review status: criteria provided, single submitter. Criteria: ACMG Guidelines, 2015. Collection method: clinical testing. Allele origin: germline. Observed: 1 variant allele.
Comment: BP4

Labcorp Genetics (formerly Invitae), Labcorp
Classification: Uncertain significance for LAMA2-related muscular dystrophy. Last evaluated: 2022-11-01. Review status: criteria provided, single submitter. Criteria: Invitae Variant Classification Sherloc (09022015). Collection method: clinical testing. Allele origin: germline.
Comment: This sequence change replaces isoleucine, which is neutral and non-polar, with valine, which is neutral and non-polar, at codon 3088 of the LAMA2 protein (p.Ile3088Val). This variant is present in population databases (rs768834542, gnomAD 0.006%). This variant has not been reported in the literature in individuals affected with LAMA2-related conditions. ClinVar contains an entry for this variant (Variation ID: 968551). Advanced modeling of protein sequence and biophysical properties (such as structural, functional, and spatial information, amino acid conservation, physicochemical variation, residue mobility, and thermodynamic stability) performed at Invitae indicates that this missense variant is not expected to disrupt LAMA2 protein function. In summary, the available evidence is currently insufficient to determine the role of this variant in disease. Therefore, it has been classified as a Variant of Uncertain Significance.

Ambry Genetics
Classification: Likely benign for Inborn genetic diseases. Last evaluated: 2022-08-17. Review status: criteria provided, single submitter. Criteria: Ambry Variant Classification Scheme 2023. Collection method: clinical testing. Allele origin: germline.

CeGaT Center for Human Genetics Tuebingen
Classification: Likely benign. Last evaluated: 2022-04-01. Review status: criteria provided, single submitter. Criteria: CeGaT Center For Human Genetics Tuebingen Variant Classification Criteria Version 2. Collection method: clinical testing. Allele origin: germline. Affected: yes. Observed: 1 variant allele.
Comment: LAMA2: BP4

Revvity Omics, Revvity
Classification: Uncertain significance. Last evaluated: 2020-09-25. Review status: criteria provided, single submitter. Criteria: ACMG Guidelines, 2015. Collection method: clinical testing. Allele origin: germline.